The following is an entry in ClinVar:

NM_001267550.2(TTN):c.48502del (p.Thr16168fs)

Genes: TTN-AS1 (TTN antisense RNA 1; plus strand), TTN (titin; minus strand). Cytogenetic location: 2q31.2.
Variant type: Deletion.
Coding change: c.48502del on transcript NM_001267550.2 (MANE Select); coding-DNA position 48502, one base deleted (A; older notation c.48502delA).
Protein change: p.Thr16168fs; shifts the reading frame from threonine 16168.
Molecular consequence: frameshift variant.
Genome position (GRCh38, 1-based): chr2:178,615,443, T deleted on the plus strand (A on the coding strand, the reverse complement: TTN is on the minus strand); the first of 2 consecutive T bases (chr2:178,615,443-178,615,444); deleting either gives the same sequence. VCF-style (leftmost placement, unchanged base first): chr2-178615442-GT-G. GRCh37 (hg19) VCF-style: chr2-179480169-GT-G.
Other names: c.43579del, p.Thr14527fs (NM_001256850.1); c.21307del, p.Thr7103fs (NM_003319.4); c.40798del, p.Thr13600fs (NM_133378.4); c.21682del, p.Thr7228fs (NM_133432.3); c.21883del, p.Thr7295fs (NM_133437.4); c.21307delA (NM_003319.4); short protein forms T14527fs, T16168fs, T7228fs, T13600fs, T7295fs, T7103fs.
Identifiers: ClinVar variation 1786385 (VCV001786385.5), dbSNP rs2470739291, ClinGen allele CA2580065313.

ClinVar aggregate classification (germline): Likely pathogenic. Review status: criteria provided, multiple submitters, no conflicts (2 of 4 stars). 2 submissions from 2 submitters: Likely pathogenic (2). Last evaluated 2023-12-17.

Conditions:
Autosomal recessive limb-girdle muscular dystrophy type 2J (LGMDR10). Also called: Limb-girdle muscular dystrophy, type 2J; MUSCULAR DYSTROPHY, LIMB-GIRDLE, AUTOSOMAL RECESSIVE 10. Identifiers: Orphanet 140922, MedGen C1837342, MONDO:0012127, OMIM 608807.
Dilated cardiomyopathy 1G (CMD1G). Identifiers: Orphanet 154, MedGen C1858763, MONDO:0011400, OMIM 604145.
Cardiovascular phenotype. Identifiers: MedGen CN230736.

Submissions (2):

Labcorp Genetics (formerly Invitae), Labcorp
Classification: Likely pathogenic for Dilated cardiomyopathy 1G; Autosomal recessive limb-girdle muscular dystrophy type 2J. Last evaluated: 2023-12-17. Review status: criteria provided, single submitter. Criteria: Invitae Variant Classification Sherloc (09022015). Collection method: clinical testing. Allele origin: germline.
Comment: This sequence change creates a premature translational stop signal (p.Thr16168Glnfs*7) in the TTN gene. While this is not anticipated to result in nonsense mediated decay, it is expected to create a truncated TTN protein. This variant is not present in population databases (gnomAD no frequency). This variant has not been reported in the literature in individuals affected with TTN-related conditions. ClinVar contains an entry for this variant (Variation ID: 1786385). This variant is located in the A band of TTN (PMID: 25589632). Truncating variants in this region are significantly overrepresented in patients affected with dilated cardiomyopathy (PMID: 25589632). Truncating variants in this region have also been reported in individuals affected with autosomal recessive centronuclear myopathy (PMID: 23975875). In summary, the currently available evidence indicates that the variant is pathogenic, but additional data are needed to prove that conclusively. Therefore, this variant has been classified as Likely Pathogenic.

Ambry Genetics
Classification: Likely pathogenic for Cardiovascular phenotype. Last evaluated: 2020-09-03. Review status: criteria provided, single submitter. Criteria: Ambry Variant Classification Scheme 2023. Collection method: clinical testing. Allele origin: germline.
Comment: The c.21307delA variant, located in coding exon 86 of the TTN gene, results from a deletion of one nucleotide at nucleotide position 21307, causing a translational frameshift with a predicted alternate stop codon (p.T7103Qfs*7). This exon is located in the A-band region of the N2-B isoform of the titin protein and is constitutively expressed in TTN transcripts (percent spliced in or PSI 100%). This alteration is expected to result in loss of function by premature protein truncation or nonsense-mediated mRNA decay. While truncating variants in TTN are present in 1-3% of the general population, truncating variants in the A-band are the most common cause of dilated cardiomyopathy (DCM) (Herman DS et al. N. Engl. J. Med., 2012 Feb;366:619-28; Roberts AM et al. Sci Transl Med, 2015 Jan;7:270ra6). TTN truncating variants encoded in constitutive exons (PSI >90%) have been found to be significantly associated with DCM regardless of their position in titin (Schafer S et al. Nat. Genet., 2017 01;49:46-53). As such, this alteration is classified as likely pathogenic.

Literature cited by the submitters: PubMed 25589632 (cited by Labcorp Genetics (formerly Invitae), Labcorp); PubMed 23975875 (cited by Labcorp Genetics (formerly Invitae), Labcorp).